The following is an entry in ClinVar:

NM_025137.4(SPG11):c.3609A>T (p.Leu1203Phe)

Gene: SPG11 (SPG11 vesicle trafficking associated, spatacsin; minus strand). Cytogenetic location: 15q21.1.
Variant type: single nucleotide variant.
Coding change: c.3609A>T on transcript NM_025137.4 (MANE Select); coding-DNA position 3609, A replaced by T.
Protein change: p.Leu1203Phe; replaces leucine 1203 with phenylalanine.
Molecular consequence: missense variant.
Genome position (GRCh38, 1-based): chr15:44,600,544, T>A on the plus strand (A>T on the coding strand, the complement: SPG11 is on the minus strand). VCF-style: chr15-44600544-T-A. GRCh37 (hg19) VCF-style: chr15-44892742-T-A.
Other names: c.3609A>T (NM_025137.3); c.3609A>T, p.Leu1203Phe (NM_001160227.2); short protein forms L1203F.
Identifiers: ClinVar variation 1026515 (VCV001026515.7), dbSNP rs1390671994, ClinGen allele CA392231181.

ClinVar aggregate classification (germline): Uncertain significance. Review status: criteria provided, multiple submitters, no conflicts (2 of 4 stars). 2 submissions from 2 submitters: Uncertain significance (2). Last evaluated 2023-07-17.

Conditions:
Hereditary spastic paraplegia 11. Also called: Nakamura Osame syndrome; Autosomal recessive hereditary spastic paraplegia, mental impairment, and thin corpus callosum; Spastic Paraplegia 11; Spastic paraplegia, mental retardation and thin corpus callosum; SPASTIC PARAPLEGIA, AUTOSOMAL RECESSIVE, COMPLICATED, WITH THIN CORPUS CALLOSUM; SPASTIC PARAPLEGIA, AUTOSOMAL RECESSIVE, WITH MENTAL IMPAIRMENT AND THIN CORPUS CALLOSUM. Identifiers: Orphanet 2822, MedGen C1858479, MONDO:0011445, OMIM 604360.
Inborn genetic diseases. Identifiers: MedGen C0950123, MeSH D030342.

Allele frequency attached by ClinVar (database versions not stated): gnomAD exomes below 0.00001; TOPMed 0.00001.
gnomAD v4.1: 1 of 1,614,180 alleles (0.000062%); highest among the groups gnomAD compares: Non-Finnish European, 0.000085%; no homozygotes.

Submissions (2):

Ambry Genetics
Classification: Uncertain significance for Inborn genetic diseases. Last evaluated: 2023-07-17. Review status: criteria provided, single submitter. Criteria: Ambry Variant Classification Scheme 2023. Collection method: clinical testing. Allele origin: germline.

Labcorp Genetics (formerly Invitae), Labcorp
Classification: Uncertain significance for Hereditary spastic paraplegia 11. Last evaluated: 2021-08-27. Review status: criteria provided, single submitter. Criteria: Invitae Variant Classification Sherloc (09022015). Collection method: clinical testing. Allele origin: germline.
Comment: This sequence change replaces leucine with phenylalanine at codon 1203 of the SPG11 protein (p.Leu1203Phe). The leucine residue is highly conserved and there is a small physicochemical difference between leucine and phenylalanine. This variant is not present in population databases (ExAC no frequency). This variant has not been reported in the literature in individuals affected with SPG11-related conditions. Algorithms developed to predict the effect of missense changes on protein structure and function are either unavailable or do not agree on the potential impact of this missense change (SIFT: "Deleterious"; PolyPhen-2: "Probably Damaging"; Align-GVGD: "Class C15"). In summary, the available evidence is currently insufficient to determine the role of this variant in disease. Therefore, it has been classified as a Variant of Uncertain Significance.